The following is an entry in ClinVar:

ClinVar aggregate classification (germline): Conflicting classifications of pathogenicity. Review status: criteria provided, conflicting classifications (1 of 4 stars). 5 submissions from 5 submitters: Uncertain significance (3); Likely benign (1). 1 of the submissions does not count toward it. Last evaluated 2025-12-20.

Conditions:
Hereditary breast ovarian cancer syndrome. Also called: Hereditary breast and ovarian cancer syndrome (HBOC); BRCA1- and BRCA2-Associated Hereditary Breast and Ovarian Cancer; Hereditary breast and/or ovarian cancer syndrome; Hereditary breast and ovarian cancer syndrome; Hereditary breast and ovarian cancer; Breast and ovarian cancer. Identifiers: Orphanet 145, MedGen C0677776, MeSH D061325, MONDO:0003582. Disease mechanism: loss of function.
Hereditary cancer-predisposing syndrome. Also called: Neoplastic Syndromes, Hereditary; Hereditary neoplastic syndrome; Tumor predisposition; Hereditary Cancer Syndrome. Identifiers: Orphanet 140162, MedGen C0027672, MeSH D009386, MONDO:0015356.
Breast-ovarian cancer, familial, susceptibility to, 1 (BROVCA1). Also called: BRCA1 Hereditary Breast and Ovarian Cancer; OVARIAN CANCER, SUSCEPTIBILITY TO. Identifiers: Orphanet 145, MedGen C2676676, MONDO:0011450, OMIM 604370. Disease mechanism: loss of function.

Allele frequency attached by ClinVar (database versions not stated): gnomAD exomes below 0.00001.
gnomAD v4.1: 1 of 1,613,614 alleles (0.000062%); highest among the groups gnomAD compares: Non-Finnish European, 0.000085%; no homozygotes.

Submissions (5):

Labcorp Genetics (formerly Invitae), Labcorp
Classification: Uncertain significance for Hereditary breast ovarian cancer syndrome. Last evaluated: 2025-12-20. Review status: criteria provided, single submitter. Criteria: Invitae Variant Classification Sherloc (09022015). Collection method: clinical testing. Allele origin: germline.
Comment: This sequence change replaces glycine, which is neutral and non-polar, with serine, which is neutral and polar, at codon 559 of the BRCA1 protein (p.Gly559Ser). This variant is not present in population databases (gnomAD no frequency). This variant has not been reported in the literature in individuals affected with BRCA1-related conditions. ClinVar contains an entry for this variant (Variation ID: 462565). Invitae Evidence Modeling of protein sequence and biophysical properties (such as structural, functional, and spatial information, amino acid conservation, physicochemical variation, residue mobility, and thermodynamic stability) indicates that this missense variant is not expected to disrupt BRCA1 protein function with a negative predictive value of 80%. In summary, the available evidence is currently insufficient to determine the role of this variant in disease. Therefore, it has been classified as a Variant of Uncertain Significance.

Ambry Genetics
Classification: Uncertain significance for Hereditary cancer-predisposing syndrome. Last evaluated: 2025-10-01. Review status: criteria provided, single submitter. Criteria: Ambry Variant Classification Scheme 2023. Collection method: clinical testing. Allele origin: germline.
Comment: The p.G559S variant (also known as c.1675G>A), located in coding exon 9 of the BRCA1 gene, results from a G to A substitution at nucleotide position 1675. The glycine at codon 559 is replaced by serine, an amino acid with similar properties. This amino acid position is not well conserved in available vertebrate species. In addition, the in silico prediction for this alteration is inconclusive. Since supporting evidence is limited at this time, the clinical significance of this alteration remains unclear.

University of Washington Department of Laboratory Medicine, University of Washington
Classification: Likely benign for Hereditary cancer-predisposing syndrome. Last evaluated: 2023-03-23. Review status: criteria provided, single submitter. Criteria: Dines et al. (Genet Med. 2020). Collection method: curation. Allele origin: germline.
Comment: Missense variant in a coldspot region where missense variants are very unlikely to be pathogenic (PMID:31911673).

BRCA1 coldspot (exon 11 using historical exon numbering). Reclassification based on statistical prior probability

Color Diagnostics, LLC DBA Color Health
Classification: Uncertain significance for Hereditary cancer-predisposing syndrome. Last evaluated: 2019-04-06. Review status: criteria provided, single submitter. Criteria: ACMG Guidelines, 2015. Collection method: clinical testing. Allele origin: germline.

BRCAlab, Lund University
Classification: Uncertain significance for Breast-ovarian cancer, familial, susceptibility to, 1. Last evaluated: 2020-03-02. Review status: no assertion criteria provided. Collection method: clinical testing. Allele origin: germline. Affected: yes. Not counted in ClinVar's aggregate classification.

NM_007294.4(BRCA1):c.1675G>A (p.Gly559Ser)

Gene: BRCA1 (BRCA1 DNA repair associated; minus strand). Cytogenetic location: 17q21.31.
Variant type: single nucleotide variant.
Coding change: c.1675G>A on transcript NM_007294.4 (MANE Select); coding-DNA position 1675, G replaced by A.
Protein change: p.Gly559Ser; replaces glycine 559 with serine.
Molecular consequence: missense variant. On other transcripts: intron variant (137).
Genome position (GRCh38, 1-based): chr17:43,093,856, C>T on the plus strand (G>A on the coding strand, the complement: BRCA1 is on the minus strand). VCF-style: chr17-43093856-C-T. GRCh37 (hg19) VCF-style: chr17-41245873-C-T.
Other names: c.1462G>A, p.Gly488Ser (NM_001407571.1, NM_001407915.1, NM_001407916.1 and 9 more transcripts); c.1675G>A, p.Gly559Ser (NM_001407581.1, NM_001407582.1, NM_001407583.1 and 30 more transcripts); c.1672G>A, p.Gly558Ser (NM_001407587.1, NM_001407590.1, NM_001407591.1 and 22 more transcripts); c.1597G>A, p.Gly533Ser (NM_001407655.1, NM_001407656.1, NM_001407657.1 and 4 more transcripts); c.1594G>A, p.Gly532Ser (NM_001407659.1, NM_001407660.1, NM_001407661.1 and 1 more transcripts); c.1552G>A, p.Gly518Ser (NM_001407674.1, NM_001407675.1, NM_001407676.1 and 19 more transcripts); c.1534G>A, p.Gly512Ser (NM_001407694.1, NM_001407695.1, NM_001407696.1 and 29 more transcripts); c.1531G>A, p.Gly511Ser (NM_001407740.1, NM_001407741.1, NM_001407742.1 and 20 more transcripts); and 40 more; short protein forms G559S, G512S, G470S, G511S, G518S, G432S, G492S, G533S.
Identifiers: ClinVar variation 462565 (VCV000462565.20), dbSNP rs1555591384, ClinGen allele CA10598683.